The following is an entry in ClinVar:

ClinVar aggregate classification (germline): Uncertain significance (1 of 4 stars; one submission).

gnomAD v4.1: 17 of 1,614,088 alleles (0.0011%); highest among the groups gnomAD compares: Non-Finnish European, 0.0014%; no homozygotes.

Submission:

GeneDx
Classification: Uncertain significance. Last evaluated: 2026-05-05. Review status: criteria provided, single submitter. Criteria: GeneDx Variant Classification Process June 2021. Collection method: clinical testing. Allele origin: germline.
Comment: Not observed at significant frequency in large population cohorts (gnomAD); In silico analysis supports that this missense variant has a deleterious effect on protein structure/function; Has not been previously published as pathogenic or benign to our knowledge

NM_002109.6(HARS1):c.490A>G (p.Thr164Ala)

Gene: HARS1 (histidyl-tRNA synthetase 1; minus strand). Cytogenetic location: 5q31.3.
Variant type: single nucleotide variant.
Coding change: c.490A>G on transcript NM_002109.6 (MANE Select); coding-DNA position 490, A replaced by G.
Protein change: p.Thr164Ala; replaces threonine 164 with alanine.
Molecular consequence: missense variant. On other transcripts: intron variant (4).
Genome position (GRCh38, 1-based): chr5:140,679,034, T>C on the plus strand (A>G on the coding strand, the complement: HARS1 is on the minus strand). VCF-style: chr5-140679034-T-C. GRCh37 (hg19) VCF-style: chr5-140058619-T-C.
Other names: c.370A>G, p.Thr124Ala (NM_001258040.3); c.403A>G, p.Thr135Ala (NM_001289094.2); c.181-1019A>G (NM_001289093.2); c.342+28A>G (NM_001258042.3); c.301-1019A>G (NM_001289092.2); c.462+28A>G (NM_001258041.3); short protein forms T124A, T135A, T164A.
Identifiers: ClinVar variation 3900483 (VCV003900483.2).